The following is an entry in ClinVar:

ClinVar aggregate classification (germline): Uncertain significance. Review status: criteria provided, single submitter (1 of 4 stars). 2 submissions from 2 submitters: Uncertain significance (1). 1 of the submissions does not count toward it. Last evaluated 2021-08-30.

Conditions:
Autosomal recessive limb-girdle muscular dystrophy type 2A (LGMDR1). Also called: Muscular dystrophy, limb-girdle, type 2A, Amish; LEYDEN-MOEBIUS MUSCULAR DYSTROPHY; MUSCULAR DYSTROPHY, PELVOFEMORAL; Limb-girdle muscular dystrophy, type 2A; Calpainopathy. Identifiers: Orphanet 267, MedGen C1869123, MONDO:0009675, OMIM 253600. Disease mechanism: loss of function.

Allele frequency attached by ClinVar (database versions not stated): gnomAD exomes below 0.00001 and 0.00001; ExAC 0.00001; gnomAD 0.00001; TOPMed 0.00001.
gnomAD v4.1: 8 of 1,613,870 alleles (0.0005%); highest among the groups gnomAD compares: Non-Finnish European, 0.00068%; no homozygotes.

Submissions (2):

Labcorp Genetics (formerly Invitae), Labcorp
Classification: Uncertain significance for Autosomal recessive limb-girdle muscular dystrophy type 2A. Last evaluated: 2021-08-30. Review status: criteria provided, single submitter. Criteria: Invitae Variant Classification Sherloc (09022015). Collection method: clinical testing. Allele origin: germline.
Comment: This sequence change replaces histidine with tyrosine at codon 213 of the CAPN3 protein (p.His213Tyr). The histidine residue is highly conserved and there is a moderate physicochemical difference between histidine and tyrosine. This variant is present in population databases (rs747017866, ExAC 0.001%). This variant has not been reported in the literature in individuals affected with CAPN3-related conditions. Algorithms developed to predict the effect of missense changes on protein structure and function are either unavailable or do not agree on the potential impact of this missense change (SIFT: "Deleterious"; PolyPhen-2: "Probably Damaging"; Align-GVGD: "Class C0"). In summary, the available evidence is currently insufficient to determine the role of this variant in disease. Therefore, it has been classified as a Variant of Uncertain Significance.

Natera, Inc.
Classification: Uncertain significance for Limb-girdle muscular dystrophy type 2A. Last evaluated: 2020-04-18. Review status: no assertion criteria provided. Collection method: clinical testing. Allele origin: germline. Not counted in ClinVar's aggregate classification.

NM_000070.3(CAPN3):c.637C>T (p.His213Tyr)

Gene: CAPN3 (calpain 3; plus strand). Cytogenetic location: 15q15.1.
Variant type: single nucleotide variant.
Coding change: c.637C>T on transcript NM_000070.3 (MANE Select); coding-DNA position 637, C replaced by T.
Protein change: p.His213Tyr; replaces histidine 213 with tyrosine.
Molecular consequence: missense variant.
Genome position (GRCh38, 1-based): chr15:42,388,932, C>T. VCF-style: chr15-42388932-C-T. GRCh37 (hg19) VCF-style: chr15-42681130-C-T.
Other names: c.637C>T, p.His213Tyr (NM_024344.2, NM_173087.2); short protein forms H213Y.
Identifiers: ClinVar variation 1055183 (VCV001055183.11), dbSNP rs747017866, ClinGen allele CA7511087.
Genomic context (GRCh38, chr15:42,388,932, plus strand): 5'-GGGTTTTGTTCCCTGGAACTCTGTGACCCCAAATTGGTCTTCATCCTCTCTCTAAGGCTC[C>T]ATGGTTCCTACGAAGCTCTGAAAGGTGGGAACACCACAGAGGCCATGGAGGACTTCACAG-3'
Protein context (NP_000061.1, residues 203-223): ALLEKAYAKL[His213Tyr]GSYEALKGGN